The following is an entry in ClinVar:

ClinVar aggregate classification (germline): Uncertain significance (1 of 4 stars; one submission).

Conditions:
Intellectual developmental disorder, X-linked 1. Also called: Atkin Flaitz Patil Smith syndrome; MENTAL RETARDATION, X-LINKED 18; MENTAL RETARDATION, X-LINKED 78; Intellectual disability, X-linked 1. Identifiers: Orphanet 777, MedGen C2931498, MONDO:0010656, OMIM 309530.

Submission:

Labcorp Genetics (formerly Invitae), Labcorp
Classification: Uncertain significance for Intellectual developmental disorder, X-linked 1. Last evaluated: 2025-11-23. Review status: criteria provided, single submitter. Criteria: Invitae Variant Classification Sherloc (09022015). Collection method: clinical testing. Allele origin: germline.
Comment: This sequence change replaces serine, which is neutral and polar, with asparagine, which is neutral and polar, at codon 1142 of the IQSEC2 protein (p.Ser1142Asn). This variant is not present in population databases (gnomAD no frequency). This variant has not been reported in the literature in individuals affected with IQSEC2-related conditions. Invitae Evidence Modeling of protein sequence and biophysical properties (such as structural, functional, and spatial information, amino acid conservation, physicochemical variation, residue mobility, and thermodynamic stability) indicates that this missense variant is not expected to disrupt IQSEC2 protein function with a negative predictive value of 95%. In summary, the available evidence is currently insufficient to determine the role of this variant in disease. Therefore, it has been classified as a Variant of Uncertain Significance.

NM_001111125.3(IQSEC2):c.3425G>A (p.Ser1142Asn)

Gene: IQSEC2 (IQ motif and Sec7 domain ArfGEF 2; minus strand). Cytogenetic location: Xp11.22.
Variant type: single nucleotide variant.
Coding change: c.3425G>A on transcript NM_001111125.3 (MANE Select); coding-DNA position 3425, G replaced by A.
Protein change: p.Ser1142Asn; replaces serine 1142 with asparagine.
Molecular consequence: missense variant.
Genome position (GRCh38, 1-based): chrX:53,236,348, C>T on the plus strand (G>A on the coding strand, the complement: IQSEC2 is on the minus strand). VCF-style: chrX-53236348-C-T. GRCh37 (hg19) VCF-style: chrX-53265530-C-T.
Other names: c.3425G>A, p.Ser1142Asn (NM_001410736.1, NM_001441092.1); c.2927G>A, p.Ser976Asn (NM_001441093.1); c.2714G>A, p.Ser905Asn (NM_001441094.1, NM_001441095.1); c.2810G>A, p.Ser937Asn (NM_015075.2); short protein forms S1142N, S905N, S937N, S976N.
Identifiers: ClinVar variation 4801015 (VCV004801015.1).